The following is an entry in ClinVar:

NM_001457.4(FLNB):c.945C>G (p.Tyr315Ter)

Gene: FLNB (filamin B; plus strand). Cytogenetic location: 3p14.3.
Variant type: single nucleotide variant.
Coding change: c.945C>G on transcript NM_001457.4 (MANE Select); coding-DNA position 945, C replaced by G.
Protein change: p.Tyr315Ter; replaces tyrosine 315 with a stop codon.
Molecular consequence: nonsense.
Genome position (GRCh38, 1-based): chr3:58,096,179, C>G. VCF-style: chr3-58096179-C-G. GRCh37 (hg19) VCF-style: chr3-58081906-C-G.
Other names: c.945C>G, p.Tyr315Ter (NM_001164317.2, NM_001164318.2, NM_001164319.2); short protein forms Y315*.
Identifiers: ClinVar variation 4735975 (VCV004735975.1).

ClinVar aggregate classification (germline): Pathogenic (1 of 4 stars; one submission).

Submission:

Labcorp Genetics (formerly Invitae), Labcorp
Classification: Pathogenic. Last evaluated: 2026-01-26. Review status: criteria provided, single submitter. Criteria: Invitae Variant Classification Sherloc (09022015). Collection method: clinical testing. Allele origin: germline.
Comment: This sequence change creates a premature translational stop signal (p.Tyr315*) in the FLNB gene. It is expected to result in an absent or disrupted protein product. Loss-of-function variants in FLNB are known to be pathogenic (PMID: 14991055). This variant is not present in population databases (gnomAD no frequency). This variant has not been reported in the literature in individuals affected with FLNB-related conditions. For these reasons, this variant has been classified as Pathogenic.

Literature cited by the submitters: PubMed 14991055.